The following is an entry in ClinVar:

NM_005228.5(EGFR):c.844G>C (p.Glu282Gln)

Gene: EGFR (epidermal growth factor receptor; plus strand). Cytogenetic location: 7p11.2.
Variant type: single nucleotide variant.
Coding change: c.844G>C on transcript NM_005228.5 (MANE Select); coding-DNA position 844, G replaced by C.
Protein change: p.Glu282Gln; replaces glutamic acid 282 with glutamine.
Molecular consequence: missense variant. On other transcripts: intron variant (1).
Genome position (GRCh38, 1-based): chr7:55,154,107, G>C. VCF-style: chr7-55154107-G-C. GRCh37 (hg19) VCF-style: chr7-55221800-G-C.
Other names: c.709G>C, p.Glu237Gln (NM_001346897.2, NM_001346899.2); c.844G>C, p.Glu282Gln (NM_001346898.2, NM_201282.2, NM_201283.2 and 1 more transcripts); c.685G>C, p.Glu229Gln (NM_001346900.2); c.89-1723G>C (NM_001346941.2); short protein forms E229Q, E237Q, E282Q.
Identifiers: ClinVar variation 5035792 (VCV005035792.1).

ClinVar aggregate classification (germline): Uncertain significance (1 of 4 stars; one submission).

Conditions:
Hereditary cancer-predisposing syndrome. Also called: Hereditary Cancer Syndrome; Neoplastic Syndromes, Hereditary; Tumor predisposition; Hereditary neoplastic syndrome. Identifiers: Orphanet 140162, MedGen C0027672, MeSH D009386, MONDO:0015356.

Submission:

Ambry Genetics
Classification: Uncertain significance for Hereditary cancer-predisposing syndrome. Last evaluated: 2026-07-09. Review status: criteria provided, single submitter. Criteria: Ambry Variant Classification Scheme 2023. Collection method: clinical testing. Allele origin: germline.
Comment: The p.E282Q variant (also known as c.844G>C), located in coding exon 7 of the EGFR gene, results from a G to C substitution at nucleotide position 844. The glutamic acid at codon 282 is replaced by glutamine, an amino acid with highly similar properties. This amino acid position is conserved. In addition, this alteration is predicted to be tolerated by in silico analysis. Based on the available evidence, the clinical significance of this variant remains unclear.